The following is an entry in ClinVar:

ClinVar aggregate classification (germline): Uncertain significance (1 of 4 stars; one submission).

Conditions:
Hereditary cancer-predisposing syndrome. Also called: Hereditary neoplastic syndrome; Neoplastic Syndromes, Hereditary; Tumor predisposition; Hereditary Cancer Syndrome. Identifiers: Orphanet 140162, MedGen C0027672, MeSH D009386, MONDO:0015356.

Submission:

Ambry Genetics
Classification: Uncertain significance for Hereditary cancer-predisposing syndrome. Last evaluated: 2025-08-27. Review status: criteria provided, single submitter. Criteria: Ambry Variant Classification Scheme 2023. Collection method: clinical testing. Allele origin: germline.
Comment: The p.V75G variant (also known as c.224T>G), located in coding exon 3 of the MUTYH gene, results from a T to G substitution at nucleotide position 224. The valine at codon 75 is replaced by glycine, an amino acid with dissimilar properties. This amino acid position is conserved. In addition, this alteration is predicted to be tolerated by in silico analysis. Based on the available evidence, the clinical significance of this variant remains unclear.

NM_001048174.2(MUTYH):c.140T>G (p.Val47Gly)

Gene: MUTYH (mutY DNA glycosylase; minus strand). Cytogenetic location: 1p34.1.
Variant type: single nucleotide variant.
Coding change: c.140T>G on transcript NM_001048174.2 (MANE Select); coding-DNA position 140, T replaced by G.
Protein change: p.Val47Gly; replaces valine 47 with glycine.
Molecular consequence: missense variant. On other transcripts: 5 prime UTR variant (1), non-coding transcript variant (5), intron variant (5).
Genome position (GRCh38, 1-based): chr1:45,333,537, A>C on the plus strand (T>G on the coding strand, the complement: MUTYH is on the minus strand). VCF-style: chr1-45333537-A-C. GRCh37 (hg19) VCF-style: chr1-45799209-A-C.
Other names: c.140T>G, p.Val47Gly (NM_001048171.2, NM_001048173.2, NM_001293195.2 and 6 more transcripts); c.143T>G, p.Val48Gly (NM_001048172.2, NM_001407071.1, NM_001407078.1 and 2 more transcripts); c.224T>G, p.Val75Gly (NM_001128425.2); c.185T>G, p.Val62Gly (NM_001293190.2); c.173T>G, p.Val58Gly (NM_001293191.2, NM_001407077.1); c.-132T>G (NM_001350650.2); c.215T>G, p.Val72Gly (NM_001407069.1, NM_012222.3); c.182T>G, p.Val61Gly (NM_001407073.1, NM_001407083.1, NM_001407085.1); and 4 more; short protein forms V48G, V58G, V72G, V62G, V19G, V54G, V61G, V47G.
Identifiers: ClinVar variation 4113523 (VCV004113523.1).
Genomic context (GRCh38, chr1:45,333,537, plus strand): 5'-GCTGTGACTTCAGCTACGTCTCTGAATAGATGGTATGAGGAGACAGAGGCCTGCAATACC[A>C]CCTCTTCCGGCTGCCTGGCCAGGCCTGCTGGGGCCCCAGGACACTCAGCAATCATCCCTG-3'
Protein context (NP_001041639.1, residues 37-57): CDGLARQPEE[Val47Gly]VLQASVSSYH